The following is an entry in ClinVar:

ClinVar aggregate classification (germline): Uncertain significance (1 of 4 stars; one submission).

Conditions:
Left ventricular noncompaction 8 (LVNC8). Identifiers: Orphanet 154, Orphanet 54260, MedGen C3809288, MONDO:0014152, OMIM 615373.

Submission:

Labcorp Genetics (formerly Invitae), Labcorp
Classification: Uncertain significance for Left ventricular noncompaction 8. Last evaluated: 2025-01-16. Review status: criteria provided, single submitter. Criteria: Invitae Variant Classification Sherloc (09022015). Collection method: clinical testing. Allele origin: germline.
Comment: This sequence change affects a donor splice site in intron 2 of the PRDM16 gene. It is expected to disrupt RNA splicing. Variants that disrupt the donor or acceptor splice site typically lead to a loss of protein function (PMID: 16199547), however the current clinical and genetic evidence is not sufficient to establish whether loss-of-function variants in PRDM16 cause disease. This variant is not present in population databases (gnomAD no frequency). This variant has not been reported in the literature in individuals affected with PRDM16-related conditions. Algorithms developed to predict the effect of sequence changes on RNA splicing suggest that this variant may disrupt the consensus splice site. In summary, the available evidence is currently insufficient to determine the role of this variant in disease. Therefore, it has been classified as a Variant of Uncertain Significance.

Literature cited by the submitters: PubMed 16199547.

NM_022114.4(PRDM16):c.387+2T>C

Gene: PRDM16 (PR/SET domain 16; plus strand). Cytogenetic location: 1p36.32.
Variant type: single nucleotide variant.
Coding change: c.387+2T>C on transcript NM_022114.4 (MANE Select); the canonical splice donor site of the intron after coding-DNA position 387, T replaced by C.
Molecular consequence: splice donor variant.
Genome position (GRCh38, 1-based): chr1:3,186,476, T>C. VCF-style: chr1-3186476-T-C. GRCh37 (hg19) VCF-style: chr1-3103040-T-C.
Other names: c.387+2T>C (NM_199454.3).
Identifiers: ClinVar variation 3729077 (VCV003729077.2).